The following is an entry in ClinVar:

NM_001386298.1(CIC):c.6879G>A (p.Arg2293=)

Gene: CIC (capicua transcriptional repressor; plus strand). Cytogenetic location: 19q13.2.
Variant type: single nucleotide variant.
Coding change: c.6879G>A on transcript NM_001386298.1 (MANE Select); coding-DNA position 6879, G replaced by A.
Protein change: p.Arg2293=; no amino-acid change (arginine 2293 retained).
Molecular consequence: synonymous variant.
Genome position (GRCh38, 1-based): chr19:42,294,046, G>A. VCF-style: chr19-42294046-G-A. GRCh37 (hg19) VCF-style: chr19-42798198-G-A.
Other names: c.6879G>A, p.Arg2293= (NM_001304815.2); c.6876G>A, p.Arg2292= (NM_001379480.1, NM_001379482.1, NM_001379483.1); c.4152G>A, p.Arg1384= (NM_001379484.1, NM_015125.5); c.4149G>A, p.Arg1383= (NM_001379485.1).
Identifiers: ClinVar variation 2650015 (VCV002650015.24), dbSNP rs773492007, ClinGen allele CA9472853.
Genomic context (GRCh38, chr19:42,294,046, plus strand): 5'-GTTTCGGCCTGAGGAGGTGCTGCCCTCCCCCACCCTGCAGTCTCTGGCCACCTCACCCCG[G>A]GCCATCCTGGGCTCTTACCGCAAGAAGAGGAAGAACTCCACGGGTAGGCGAGCATTGGGC-3'
Protein context (NP_001373227.1, residues 2283-2303): PTLQSLATSP[Arg2293=]AILGSYRKKR

ClinVar aggregate classification (germline): Likely benign (1 of 4 stars; one submission).

Allele frequency attached by ClinVar (database versions not stated): gnomAD 0.00001.
gnomAD v4.1: 51 of 1,613,382 alleles (0.0032%); highest among the groups gnomAD compares: South Asian, 0.056%; 1 homozygote.

Submission:

CeGaT Center for Human Genetics Tuebingen
Classification: Likely benign. Last evaluated: 2022-07-01. Review status: criteria provided, single submitter. Criteria: CeGaT Center For Human Genetics Tuebingen Variant Classification Criteria Version 2. Collection method: clinical testing. Allele origin: germline. Affected: yes. Observed: 1 variant allele.
Comment: CIC: BP4, BP7